The following is an entry in ClinVar:

ClinVar aggregate classification (germline): Benign (1 of 4 stars; one submission).

Allele frequency attached by ClinVar (database versions not stated): TOPMed 0.25010; 1000 Genomes Project 0.29812; 1000 Genomes Project 30x 0.30122.
gnomAD v4.1: 36,084 of 151,776 alleles (24%); highest among the groups gnomAD compares: African/African-American, 50%; 6,535 homozygotes.

Submission:

GeneDx
Classification: Benign. Last evaluated: 2018-06-18. Review status: criteria provided, single submitter. Criteria: GeneDx Variant Classification (06012015). Collection method: clinical testing. Allele origin: germline. Affected: yes.
Comment: This variant is considered likely benign or benign based on one or more of the following criteria: it is a conservative change, it occurs at a poorly conserved position in the protein, it is predicted to be benign by multiple in silico algorithms, and/or has population frequency not consistent with disease.

NM_000069.3(CACNA1S):c.2658-163C>A

Gene: CACNA1S (calcium voltage-gated channel subunit alpha1 S; minus strand). Cytogenetic location: 1q32.1.
Variant type: single nucleotide variant.
Coding change: c.2658-163C>A on transcript NM_000069.3 (MANE Select); 163 bases into the intron before coding-DNA position 2658, C replaced by A.
Molecular consequence: intron variant.
Genome position (GRCh38, 1-based): chr1:201,066,479, G>T on the plus strand (C>A on the coding strand, the complement: CACNA1S is on the minus strand). VCF-style: chr1-201066479-G-T. GRCh37 (hg19) VCF-style: chr1-201035607-G-T.
Identifiers: ClinVar variation 678299 (VCV000678299.1), dbSNP rs2297901, ClinGen allele CA10748476.
Genomic context (GRCh38, chr1:201,066,479, plus strand): 5'-TTCTGCCTGAAAACACTCCCACCTTCCCCTTCCCTTTCCTCCAGCCGTGAGAGTGTGCCC[G>T]ACTCCAGGGCACAGCCACCCCTGCTATCTGGACCATGCTCTCATGGGTGTGTCATGAAGC-3'